The following is an entry in ClinVar:

NM_000038.6(APC):c.4014G>T (p.Gln1338His)

Gene: APC (APC regulator of Wnt signaling pathway; plus strand). Cytogenetic location: 5q22.2.
Variant type: single nucleotide variant.
Coding change: c.4014G>T on transcript NM_000038.6 (MANE Select); coding-DNA position 4014, G replaced by T.
Protein change: p.Gln1338His; replaces glutamine 1338 with histidine.
Molecular consequence: missense variant. On other transcripts: non-coding transcript variant (2).
Genome position (GRCh38, 1-based): chr5:112,839,608, G>T. VCF-style: chr5-112839608-G-T. GRCh37 (hg19) VCF-style: chr5-112175305-G-T.
Other names: c.4044G>T, p.Gln1348His (NM_001354897.2); c.3939G>T, p.Gln1313His (NM_001354898.2); c.3930G>T, p.Gln1310His (NM_001354899.2); c.3891G>T, p.Gln1297His (NM_001354900.2); c.3837G>T, p.Gln1279His (NM_001354901.2, NM_001407453.1); c.3741G>T, p.Gln1247His (NM_001354902.2); c.3711G>T, p.Gln1237His (NM_001354903.2, NM_001407458.1, NM_001407459.1 and 1 more transcripts); c.3636G>T, p.Gln1212His (NM_001354904.2); and 11 more; short protein forms Q1055H, Q1178H, Q1209H, Q1212H, Q1237H, Q1247H, Q1255H, Q1279H.
Identifiers: ClinVar variation 4801478 (VCV004801478.1).
Genomic context (GRCh38, chr5:112,839,608, plus strand): 5'-TCCTGTGAGCGAAGTTCCAGCAGTGTCACAGCACCCTAGAACCAAATCCAGCAGACTGCA[G>T]GGTTCTAGTTTATCTTCAGAATCAGCCAGGCACAAAGCTGTTGAATTTTCTTCAGGAGCG-3'
Protein context (NP_000029.2, residues 1328-1348): QHPRTKSSRL[Gln1338His]GSSLSSESAR

ClinVar aggregate classification (germline): Uncertain significance (1 of 4 stars; one submission).

Conditions:
Familial adenomatous polyposis 1 (FAP1). Also called: FAMILIAL ADENOMATOUS POLYPOSIS 1, ATTENUATED; POLYPOSIS, ADENOMATOUS INTESTINAL. Identifiers: MedGen C2713442, MONDO:0021056, OMIM 175100. Disease mechanism: loss of function.

Submission:

Labcorp Genetics (formerly Invitae), Labcorp
Classification: Uncertain significance for Familial adenomatous polyposis 1. Last evaluated: 2026-01-17. Review status: criteria provided, single submitter. Criteria: Invitae Variant Classification Sherloc (09022015). Collection method: clinical testing. Allele origin: germline.
Comment: This sequence change replaces glutamine, which is neutral and polar, with histidine, which is basic and polar, at codon 1338 of the APC protein (p.Gln1338His). This variant is not present in population databases (gnomAD no frequency). This variant has not been reported in the literature in individuals affected with APC-related conditions. Invitae Evidence Modeling of protein sequence and biophysical properties (such as structural, functional, and spatial information, amino acid conservation, physicochemical variation, residue mobility, and thermodynamic stability) indicates that this missense variant is not expected to disrupt APC protein function with a negative predictive value of 95%. In summary, the available evidence is currently insufficient to determine the role of this variant in disease. Therefore, it has been classified as a Variant of Uncertain Significance.